The following is an entry in ClinVar:

NM_004655.4(AXIN2):c.1900C>G (p.Pro634Ala)

Gene: AXIN2 (axin 2; minus strand). Cytogenetic location: 17q24.1.
Variant type: single nucleotide variant.
Coding change: c.1900C>G on transcript NM_004655.4 (MANE Select); coding-DNA position 1900, C replaced by G.
Protein change: p.Pro634Ala; replaces proline 634 with alanine.
Molecular consequence: missense variant. On other transcripts: intron variant (1).
Genome position (GRCh38, 1-based): chr17:65,536,876, G>C on the plus strand (C>G on the coding strand, the complement: AXIN2 is on the minus strand). VCF-style: chr17-65536876-G-C. GRCh37 (hg19) VCF-style: chr17-63532994-G-C.
Other names: c.1713-323C>G (NM_001363813.1); c.1900C>G (NM_004655.3); short protein forms P634A.
Identifiers: ClinVar variation 1500056 (VCV001500056.9), dbSNP rs141699123, ClinGen allele CA400676384.

ClinVar aggregate classification (germline): Uncertain significance. Review status: criteria provided, multiple submitters, no conflicts (2 of 4 stars). 2 submissions from 2 submitters: Uncertain significance (2). Last evaluated 2025-01-06.

Conditions:
Oligodontia-cancer predisposition syndrome. Also called: TOOTH AGENESIS-COLORECTAL CANCER SYNDROME. Identifiers: Orphanet 300576, MedGen C1837750, MONDO:0012075, OMIM 608615. Disease mechanism: loss of function.
Hereditary cancer-predisposing syndrome. Also called: Tumor predisposition; Hereditary neoplastic syndrome; Neoplastic Syndromes, Hereditary; Hereditary Cancer Syndrome. Identifiers: Orphanet 140162, MedGen C0027672, MeSH D009386, MONDO:0015356.

Submissions (2):

Ambry Genetics
Classification: Uncertain significance for Hereditary cancer-predisposing syndrome. Last evaluated: 2025-01-06. Review status: criteria provided, single submitter. Criteria: Ambry Variant Classification Scheme 2023. Collection method: clinical testing. Allele origin: germline.
Comment: The p.P634A variant (also known as c.1900C>G), located in coding exon 6 of the AXIN2 gene, results from a C to G substitution at nucleotide position 1900. The proline at codon 634 is replaced by alanine, an amino acid with highly similar properties. This amino acid position is conserved. In addition, this alteration is predicted to be tolerated by in silico analysis. Based on the available evidence, the clinical significance of this variant remains unclear.

Labcorp Genetics (formerly Invitae), Labcorp
Classification: Uncertain significance for Oligodontia-cancer predisposition syndrome. Last evaluated: 2021-04-10. Review status: criteria provided, single submitter. Criteria: Invitae Variant Classification Sherloc (09022015). Collection method: clinical testing. Allele origin: germline.
Comment: This sequence change replaces proline with alanine at codon 634 of the AXIN2 protein (p.Pro634Ala). The proline residue is moderately conserved and there is a small physicochemical difference between proline and alanine. In summary, the available evidence is currently insufficient to determine the role of this variant in disease. Therefore, it has been classified as a Variant of Uncertain Significance. Algorithms developed to predict the effect of missense changes on protein structure and function output the following: SIFT: "Tolerated"; PolyPhen-2: "Benign"; Align-GVGD: "Class C0". The alanine amino acid residue is found in multiple mammalian species, suggesting that this missense change does not adversely affect protein function. These predictions have not been confirmed by published functional studies and their clinical significance is uncertain. This variant has not been reported in the literature in individuals with AXIN2-related conditions. This variant is not present in population databases (ExAC no frequency).